The following is an entry in ClinVar:

NM_001127671.2(LIFR):c.143-5_143-3del

Gene: LIFR (LIF receptor subunit alpha; minus strand). Cytogenetic location: 5p13.1.
Variant type: Microsatellite.
Coding change: c.143-5_143-3del on transcript NM_001127671.2 (MANE Select); 5 bases into the intron before coding-DNA position 143 through 3 bases into the intron before coding-DNA position 143, 3 bases deleted (TCC; older notation c.143-5_143-3delTCC).
Molecular consequence: intron variant.
Genome position (GRCh38, 1-based): chr5:38,528,843-38,528,845, GGA deleted on the plus strand (TCC on the coding strand, the reverse complement: LIFR is on the minus strand); deleting any 3 consecutive bases within chr5:38,528,843-38,528,849 gives the same sequence; the c. name uses the placement nearest the transcript's 3' end. VCF-style (leftmost placement, unchanged base first): chr5-38528842-TGGA-T. GRCh37 (hg19) VCF-style: chr5-38528944-TGGA-T.
Other names: c.143-5_143-3del (NM_002310.6, NM_001364298.2, NM_001364297.2); c.143-5_143-3delTCC (NM_002310.5).
Identifiers: ClinVar variation 1167476 (VCV001167476.15), dbSNP rs778581246, ClinGen allele CA3243306.
Genomic context (GRCh38, chr5:38,528,842, plus strand): 5'-CCAAGAACAGTTCCACACTTGCAAATTGTTAGTTACACACTTCAAATCATGAGGAGCCCC[TGGA>T]GGAGACACACACACACACACACACACACACACAGACACACATAAACACAGAATATGCTGA-3'

ClinVar aggregate classification (germline): Benign/Likely benign. Review status: criteria provided, multiple submitters, no conflicts (2 of 4 stars). 5 submissions from 5 submitters: Benign (1); Likely benign (2). 2 of the submissions do not count toward it. Last evaluated 2026-01-18.

Conditions:
Stuve-Wiedemann syndrome (STWS). Also called: Stüve-Wiedemann syndrome. Identifiers: Orphanet 3206, MedGen C0796176, MONDO:0031280.
LIFR-related disorder. Also called: LIFR-related condition.

Submissions (5):

Labcorp Genetics (formerly Invitae), Labcorp
Classification: Benign. Last evaluated: 2026-01-18. Review status: criteria provided, single submitter. Criteria: Invitae Variant Classification Sherloc (09022015). Collection method: clinical testing. Allele origin: germline.

Blueprint Genetics
Classification: Likely benign. Last evaluated: 2024-08-28. Review status: criteria provided, single submitter. Criteria: ACMG Guidelines, 2015. Collection method: clinical testing. Allele origin: germline.

GeneDx
Classification: Likely benign. Last evaluated: 2021-01-18. Review status: criteria provided, single submitter. Criteria: GeneDx Variant Classification Process June 2021. Collection method: clinical testing. Allele origin: germline. Affected: yes.

Natera, Inc.
Classification: Likely benign for Stuve-Wiedemann syndrome. Last evaluated: 2020-08-18. Review status: no assertion criteria provided. Collection method: clinical testing. Allele origin: germline. Not counted in ClinVar's aggregate classification.

PreventionGenetics, part of Exact Sciences
Classification: Likely benign for LIFR-related condition. Last evaluated: 2019-07-12. Review status: no assertion criteria provided. Collection method: clinical testing. Allele origin: germline. Not counted in ClinVar's aggregate classification.
Comment: This variant is classified as likely benign based on ACMG/AMP sequence variant interpretation guidelines (Richards et al. 2015 PMID: 25741868, with internal and published modifications).